The following is an entry in ClinVar:

NM_001557.4(CXCR2):c.67T>G (p.Tyr23Asp)

Gene: CXCR2 (C-X-C motif chemokine receptor 2; plus strand). Cytogenetic location: 2q35.
Variant type: single nucleotide variant.
Coding change: c.67T>G on transcript NM_001557.4 (MANE Select); coding-DNA position 67, T replaced by G.
Protein change: p.Tyr23Asp; replaces tyrosine 23 with aspartic acid.
Molecular consequence: missense variant.
Genome position (GRCh38, 1-based): chr2:218,134,868, T>G. VCF-style: chr2-218134868-T-G. GRCh37 (hg19) VCF-style: chr2-218999591-T-G.
Other names: c.67T>G, p.Tyr23Asp (NM_001168298.2); short protein forms Y23D.
Identifiers: ClinVar variation 2000471 (VCV002000471.4), dbSNP rs2469113212, ClinGen allele CA350528356.

ClinVar aggregate classification (germline): Uncertain significance (1 of 4 stars; one submission).

Submission:

Labcorp Genetics (formerly Invitae), Labcorp
Classification: Uncertain significance. Last evaluated: 2022-05-29. Review status: criteria provided, single submitter. Criteria: Invitae Variant Classification Sherloc (09022015). Collection method: clinical testing. Allele origin: germline.
Comment: This sequence change replaces tyrosine, which is neutral and polar, with aspartic acid, which is acidic and polar, at codon 23 of the CXCR2 protein (p.Tyr23Asp). In summary, the available evidence is currently insufficient to determine the role of this variant in disease. Therefore, it has been classified as a Variant of Uncertain Significance. Algorithms developed to predict the effect of missense changes on protein structure and function are either unavailable or do not agree on the potential impact of this missense change (SIFT: "Deleterious"; PolyPhen-2: "Benign"; Align-GVGD: "Class C0"). This variant has not been reported in the literature in individuals affected with CXCR2-related conditions. This variant is not present in population databases (gnomAD no frequency).